The following is an entry in ClinVar:

ClinVar aggregate classification (germline): Uncertain significance. Review status: criteria provided, multiple submitters, no conflicts (2 of 4 stars). 2 submissions from 2 submitters: Uncertain significance (2). Last evaluated 2025-10-23.

Conditions:
Inborn genetic diseases. Identifiers: MedGen C0950123, MeSH D030342.

Allele frequency attached by ClinVar (database versions not stated): gnomAD 0.00001; gnomAD exomes below 0.00001.

Submissions (2):

Labcorp Genetics (formerly Invitae), Labcorp
Classification: Uncertain significance. Last evaluated: 2025-10-23. Review status: criteria provided, single submitter. Criteria: Invitae Variant Classification Sherloc (09022015). Collection method: clinical testing. Allele origin: germline.
Comment: This sequence change replaces serine, which is neutral and polar, with glycine, which is neutral and non-polar, at codon 13 of the TNFAIP3 protein (p.Ser13Gly). This variant is present in population databases (no rsID available, gnomAD 0.007%). This variant has not been reported in the literature in individuals affected with TNFAIP3-related conditions. ClinVar contains an entry for this variant (Variation ID: 2971135). Invitae Evidence Modeling of protein sequence and biophysical properties (such as structural, functional, and spatial information, amino acid conservation, physicochemical variation, residue mobility, and thermodynamic stability) indicates that this missense variant is expected to disrupt TNFAIP3 protein function with a positive predictive value of 80%. In summary, the available evidence is currently insufficient to determine the role of this variant in disease. Therefore, it has been classified as a Variant of Uncertain Significance.

Ambry Genetics
Classification: Uncertain significance for Inborn genetic diseases. Last evaluated: 2023-10-05. Review status: criteria provided, single submitter. Criteria: Ambry Variant Classification Scheme 2023. Collection method: clinical testing. Allele origin: germline.

NM_001270508.2(TNFAIP3):c.37A>G (p.Ser13Gly)

Gene: TNFAIP3 (TNF alpha induced protein 3; plus strand). Cytogenetic location: 6q23.3.
Variant type: single nucleotide variant.
Coding change: c.37A>G on transcript NM_001270508.2 (MANE Select); coding-DNA position 37, A replaced by G.
Protein change: p.Ser13Gly; replaces serine 13 with glycine.
Molecular consequence: missense variant.
Genome position (GRCh38, 1-based): chr6:137,871,264, A>G. VCF-style: chr6-137871264-A-G. GRCh37 (hg19) VCF-style: chr6-138192401-A-G.
Other names: c.37A>G, p.Ser13Gly (NM_001270507.2, NM_006290.4); c.37A>G (NM_006290.2); short protein forms S13G.
Identifiers: ClinVar variation 2971135 (VCV002971135.4), dbSNP rs1470990172, ClinGen allele CA365779489.
Genomic context (GRCh38, chr6:137,871,264, plus strand): 5'-CCTTTTCAGGTGTTGGAGAGCACAATGGCTGAACAAGTCCTTCCTCAGGCTTTGTATTTG[A>G]GCAATATGCGGAAAGCTGTGAAGATACGGGAGAGAACTCCAGAAGACATTTTTAAACCTA-3'
Protein context (NP_001257437.1, residues 3-23): EQVLPQALYL[Ser13Gly]NMRKAVKIRE